The following is an entry in ClinVar:

ClinVar aggregate classification (germline): Benign/Likely benign. Review status: criteria provided, multiple submitters, no conflicts (2 of 4 stars). 5 submissions from 5 submitters: Benign (1); Likely benign (3). 1 of the submissions does not count toward it. Last evaluated 2026-01-15.

Conditions:
LAMB1-related disorder. Also called: LAMB1-related condition.

Allele frequency attached by ClinVar (database versions not stated): TOPMed 0.00043; gnomAD exomes 0.00081 and 0.00144; gnomAD 0.00091 and 0.00107; ExAC 0.00138; 1000 Genomes Project 30x 0.00234; 1000 Genomes Project 0.00280.
gnomAD v4.1: 1,339 of 1,614,064 alleles (0.083%); highest among the groups gnomAD compares: East Asian, 1.5%; 9 homozygotes.

Submissions (5):

Labcorp Genetics (formerly Invitae), Labcorp
Classification: Benign. Last evaluated: 2026-01-15. Review status: criteria provided, single submitter. Criteria: Invitae Variant Classification Sherloc (09022015). Collection method: clinical testing. Allele origin: germline.

Blueprint Genetics
Classification: Likely benign. Last evaluated: 2024-11-15. Review status: criteria provided, single submitter. Criteria: ACMG Guidelines, 2015. Collection method: clinical testing. Allele origin: germline.

GeneDx
Classification: Likely benign. Last evaluated: 2020-10-21. Review status: criteria provided, single submitter. Criteria: GeneDx Variant Classification Process June 2021. Collection method: clinical testing. Allele origin: germline. Affected: yes.

Breakthrough Genomics
Classification: Likely benign. Review status: criteria provided, single submitter. Criteria: ACMG Guidelines, 2015. Collection method: not provided. Allele origin: germline. Inheritance: Autosomal recessive inheritance. Affected: yes.

PreventionGenetics, part of Exact Sciences
Classification: Benign for LAMB1-related condition. Last evaluated: 2019-05-07. Review status: no assertion criteria provided. Collection method: clinical testing. Allele origin: germline. Not counted in ClinVar's aggregate classification.
Comment: This variant is classified as benign based on ACMG/AMP sequence variant interpretation guidelines (Richards et al. 2015 PMID: 25741868, with internal and published modifications).

NM_002291.3(LAMB1):c.855A>G (p.Gly285=)

Gene: LAMB1 (laminin subunit beta 1; minus strand). Cytogenetic location: 7q31.1.
Variant type: single nucleotide variant.
Coding change: c.855A>G on transcript NM_002291.3 (MANE Select); coding-DNA position 855, A replaced by G.
Protein change: p.Gly285=; no amino-acid change (glycine 285 retained).
Molecular consequence: synonymous variant.
Genome position (GRCh38, 1-based): chr7:107,980,633, T>C on the plus strand (A>G on the coding strand, the complement: LAMB1 is on the minus strand). VCF-style: chr7-107980633-T-C. GRCh37 (hg19) VCF-style: chr7-107621078-T-C.
Identifiers: ClinVar variation 721331 (VCV000721331.16), dbSNP rs140773514, ClinGen allele CA4436179.